The following is an entry in ClinVar:

NM_005402.4(RALA):c.478A>C (p.Thr160Pro)

Gene: RALA (RAS like proto-oncogene A; plus strand). Cytogenetic location: 7p14.1.
Variant type: single nucleotide variant.
Coding change: c.478A>C on transcript NM_005402.4 (MANE Select); coding-DNA position 478, A replaced by C.
Protein change: p.Thr160Pro; replaces threonine 160 with proline.
Molecular consequence: missense variant.
Genome position (GRCh38, 1-based): chr7:39,696,839, A>C. VCF-style: chr7-39696839-A-C. GRCh37 (hg19) VCF-style: chr7-39736438-A-C.
Other names: short protein forms T160P.
Identifiers: ClinVar variation 1687554 (VCV001687554.1), dbSNP rs2116098924, ClinGen allele CA367306702.

ClinVar aggregate classification (germline): Uncertain significance (1 of 4 stars; one submission).

Conditions:
Hiatt-Neu-Cooper neurodevelopmental syndrome. Identifiers: MedGen C5543338, MONDO:0859142, OMIM 619311.

Submission:

3billion
Classification: Uncertain significance for Hiatt-Neu-Cooper neurodevelopmental syndrome. Last evaluated: 2022-05-22. Review status: criteria provided, single submitter. Criteria: ACMG Guidelines, 2015. Collection method: clinical testing. Allele origin: germline. Affected: yes. Observed: 1 heterozygote.
Comment: The variant is not observed in the gnomAD v2.1.1 dataset. Missense changes are a common disease-causing mechanism. In silico tool predictions suggest damaging effect of the variant on gene or gene product (REVEL: 0.84; 3Cnet: 0.36). Therefore, this variant is classified as uncertain significanceaccording to the recommendation of ACMG/AMP guideline.